The following is an entry in ClinVar:

ClinVar aggregate classification (germline): Uncertain significance (1 of 4 stars; one submission).

Conditions:
RPS24-related disorder. Also called: RPS24-related condition.

Submission:

PreventionGenetics, part of Exact Sciences
Classification: Uncertain significance for RPS24-related condition. Last evaluated: 2023-09-27. Review status: criteria provided, single submitter. Criteria: ACMG Guidelines, 2015. Collection method: clinical testing. Allele origin: germline.
Comment: The RPS24 c.835T>G variant is predicted to result in the amino acid substitution p.Ser279Ala. To our knowledge, this variant has not been reported in the literature or in a large population database, indicating this variant is rare. At this time, the clinical significance of this variant is uncertain due to the absence of conclusive functional and genetic evidence.

NM_001142285.2(RPS24):c.835T>G (p.Ser279Ala)

Gene: RPS24 (ribosomal protein S24; plus strand). Cytogenetic location: 10q22.3.
Variant type: single nucleotide variant.
Coding change: c.835T>G on transcript NM_001142285.2; coding-DNA position 835, T replaced by G.
Protein change: p.Ser279Ala; replaces serine 279 with alanine.
Molecular consequence: missense variant.
Genome position (GRCh38, 1-based): chr10:78,054,975, T>G. VCF-style: chr10-78054975-T-G. GRCh37 (hg19) VCF-style: chr10-79814733-T-G.
Other names: short protein forms S279A.
Identifiers: ClinVar variation 2634017 (VCV002634017.1), dbSNP rs2493323812, ClinGen allele CA377339683.
Genomic context (GRCh38, chr10:78,054,975, plus strand): 5'-CAGGCCATCAACAAGTCTTTTGGCCCTTTCTTTGAAATCCACCAGGAATCCAGCTGCTTC[T>G]CCCCACCTTCCTGCCTCTCTGGTCTGGGCCACTAATGTCACTGCCATGGCCGCCTTGCTG-3'